The following is an entry in ClinVar:

ClinVar aggregate classification (germline): Benign (1 of 4 stars; one submission).

Allele frequency attached by ClinVar (database versions not stated): gnomAD 0.26101 and 0.26973; TOPMed 0.27740; 1000 Genomes Project 30x 0.33354; 1000 Genomes Project 0.33466.
gnomAD v4.1: 41,122 of 152,094 alleles (27%); highest among the groups gnomAD compares: East Asian, 61%; 6,310 homozygotes.

Submission:

GeneDx
Classification: Benign. Last evaluated: 2018-06-14. Review status: criteria provided, single submitter. Criteria: GeneDx Variant Classification (06012015). Collection method: clinical testing. Allele origin: germline. Affected: yes.
Comment: This variant is considered likely benign or benign based on one or more of the following criteria: it is a conservative change, it occurs at a poorly conserved position in the protein, it is predicted to be benign by multiple in silico algorithms, and/or has population frequency not consistent with disease.

NM_001127222.2(CACNA1A):c.3090-165A>G

Gene: CACNA1A (calcium voltage-gated channel subunit alpha1 A; minus strand). Cytogenetic location: 19p13.13.
Variant type: single nucleotide variant.
Coding change: c.3090-165A>G on transcript NM_001127222.2 (MANE Select); 165 bases into the intron before coding-DNA position 3090, A replaced by G.
Molecular consequence: intron variant.
Genome position (GRCh38, 1-based): chr19:13,287,131, T>C on the plus strand (A>G on the coding strand, the complement: CACNA1A is on the minus strand). VCF-style: chr19-13287131-T-C. GRCh37 (hg19) VCF-style: chr19-13397945-T-C.
Other names: c.3093-165A>G (NM_001127221.2, NM_001174080.2); c.3102-165A>G (NM_000068.4, NM_023035.3).
Identifiers: ClinVar variation 680058 (VCV000680058.1), dbSNP rs12975522, ClinGen allele CA14636015.